The following is an entry in ClinVar:

ClinVar aggregate classification (germline): Conflicting classifications of pathogenicity. Review status: criteria provided, conflicting classifications (1 of 4 stars). 8 submissions from 8 submitters: Uncertain significance (2); Benign (2); Likely benign (3). 1 of the submissions does not count toward it. Last evaluated 2025-11-21.

Conditions:
TTN-related disorder. Also called: TTN-related disorders; TTN-related condition; TTN-related disease.
Autosomal recessive limb-girdle muscular dystrophy type 2J (LGMDR10). Also called: Limb-girdle muscular dystrophy, type 2J; MUSCULAR DYSTROPHY, LIMB-GIRDLE, AUTOSOMAL RECESSIVE 10. Identifiers: Orphanet 140922, MedGen C1837342, MONDO:0012127, OMIM 608807.
Dilated cardiomyopathy 1G (CMD1G). Identifiers: Orphanet 154, MedGen C1858763, MONDO:0011400, OMIM 604145.
Cardiomyopathy (CMYO). Also called: Cardiomyopathies. Identifiers: Orphanet 167848, MedGen C0878544, MONDO:0004994, HP:0001638. Inheritance: Various modes of inheritance.

Allele frequency attached by ClinVar (database versions not stated): gnomAD below 0.00001 and 0.00009; TOPMed 0.00002; gnomAD exomes 0.00014 and 0.00030; ExAC 0.00033; 1000 Genomes Project 0.00060; 1000 Genomes Project 30x 0.00062.
gnomAD v4.1: 218 of 1,612,370 alleles (0.014%); highest among the groups gnomAD compares: South Asian, 0.23%; 2 homozygotes.

Submissions (8):

Labcorp Genetics (formerly Invitae), Labcorp
Classification: Likely benign for Dilated cardiomyopathy 1G; Autosomal recessive limb-girdle muscular dystrophy type 2J. Last evaluated: 2025-11-21. Review status: criteria provided, single submitter. Criteria: Invitae Variant Classification Sherloc (09022015). Collection method: clinical testing. Allele origin: germline.

Blueprint Genetics
Classification: Likely benign. Last evaluated: 2024-03-18. Review status: criteria provided, single submitter. Criteria: ACMG Guidelines, 2015. Collection method: clinical testing. Allele origin: germline.

GeneDx
Classification: Likely benign. Last evaluated: 2021-01-08. Review status: criteria provided, single submitter. Criteria: GeneDx Variant Classification Process June 2021. Collection method: clinical testing. Allele origin: germline. Affected: yes.

Women's Health and Genetics/Laboratory Corporation of America, LabCorp
Classification: Benign. Last evaluated: 2020-11-17. Review status: criteria provided, single submitter. Criteria: LabCorp Variant Classification Summary - May 2015. Collection method: clinical testing. Allele origin: germline.
Comment: Variant summary: TTN c.38361G>C (p.Lys12787Asn) results in a non-conservative amino acid change located in the I-band region of the encoded protein sequence. Three of five in-silico tools predict a damaging effect of the variant on protein function. The variant allele was found at a frequency of 0.0003 in 247648 control chromosomes, predominantly at a frequency of 0.0024 within the South Asian subpopulation in the gnomAD database, including 1 homozygote. The observed variant frequency within South Asian control individuals in the gnomAD database is approximately 6-fold of the estimated maximal expected allele frequency for a pathogenic variant in TTN causing Dilated Cardiomyopathy phenotype (0.00039), strongly suggesting that the variant is a benign polymorphism found primarily in populations of South Asian origin. The variant, c.38361G>C, has been reported in the literature in an individual affected with Dilated Cardiomyopathy, however this patient also had Wolff-Parkinson-White (WPW) syndrome and glycogen accumulation noted during cardiac transplant, consistent with Danon disease, in addition, in this patient a co-occurrence with another pathogenic variant (LAMP2 exon8-9 del) could explain the disease phenotype (Ceyhan-Birsoy_2015). To our knowledge, no experimental evidence demonstrating an impact on protein function has been reported. Five clinical diagnostic laboratories have submitted clinical-significance assessments for this variant to ClinVar after 2014 without evidence for independent evaluation. Multiple laboratories reported the variant with conflicting assessments (benign (1x), likely benign (1x), VUS (3x)). Based on the evidence outlined above, the variant was classified as benign.

CHEO Genetics Diagnostic Laboratory, Children's Hospital of Eastern Ontario
Classification: Benign for Cardiomyopathy. Last evaluated: 2017-10-17. Review status: criteria provided, single submitter. Criteria: ACMG Guidelines, 2015. Collection method: clinical testing. Allele origin: germline. Study: Canadian Open Genetics Repository.

Eurofins Ntd Llc (ga)
Classification: Uncertain significance. Last evaluated: 2017-03-23. Review status: criteria provided, single submitter. Criteria: EGL Classification Definitions 2015. Collection method: clinical testing. Allele origin: germline. Observed: 1 variant allele, 1 heterozygote.

Laboratory for Molecular Medicine, Mass General Brigham Personalized Medicine
Classification: Uncertain significance. Last evaluated: 2015-12-18. Review status: criteria provided, single submitter. Criteria: LMM Criteria. Collection method: clinical testing. Allele origin: germline. Observed: 4 variant alleles.
Comment: Variant classified as Uncertain Significance - Favor Benign. The p.Lys12787Asn v ariant in TTN has been reported by our laboratory in 2 individuals (1 HCM and 1 ARVC with reduced LV function). Both individuals carried a disease-causing varia nt in another gene and p.Lys12787Asn did not segregate with ARVC in an affected family member. It has been identified in 0.24% (40/16444) of South Asian chromo somes by the Exome Aggregation Consortium (ExAC; dbSNP rs397517583). Computational prediction tools and conservation analysis su ggest that this variant may impact the protein, though this information is not p redictive enough to determine pathogenicity. In summary, while the clinical sign ificance of the p.Lys12787Asn variant is uncertain, its frequency suggests that it is more likely to be benign.

PreventionGenetics, part of Exact Sciences
Classification: Likely benign for TTN-related condition. Last evaluated: 2022-07-28. Review status: no assertion criteria provided. Collection method: clinical testing. Allele origin: germline. Not counted in ClinVar's aggregate classification.
Comment: This variant is classified as likely benign based on ACMG/AMP sequence variant interpretation guidelines (Richards et al. 2015 PMID: 25741868, with internal and published modifications).

Literature cited by the submitters: PubMed 27066507 (cited by Women's Health and Genetics/Laboratory Corporation of America, LabCorp).

NM_001267550.2(TTN):c.46065G>C (p.Lys15355Asn)

Gene: TTN (titin; minus strand). Cytogenetic location: 2q31.2.
Variant type: single nucleotide variant.
Coding change: c.46065G>C on transcript NM_001267550.2 (MANE Select); coding-DNA position 46065, G replaced by C.
Protein change: p.Lys15355Asn; replaces lysine 15355 with asparagine.
Molecular consequence: missense variant.
Genome position (GRCh38, 1-based): chr2:178,620,456, C>G on the plus strand (G>C on the coding strand, the complement: TTN is on the minus strand). VCF-style: chr2-178620456-C-G. GRCh37 (hg19) VCF-style: chr2-179485183-C-G.
Other names: c.41142G>C, p.Lys13714Asn (NM_001256850.1); c.38361G>C, p.Lys12787Asn (NM_133378.4); c.18870G>C, p.Lys6290Asn (NM_003319.4); c.19245G>C, p.Lys6415Asn (NM_133432.3); c.19446G>C, p.Lys6482Asn (NM_133437.4); short protein forms K15355N, K12787N, K13714N, K6290N, K6415N, K6482N.
Identifiers: ClinVar variation 46995 (VCV000046995.31), dbSNP rs397517583, ClinGen allele CA139717.
Genomic context (GRCh38, chr2:178,620,456, plus strand): 5'-AGCAGTGACAATGTATTCACCTTCATCTGGGAAGCCACAGTCTTTAATGGTTAACATGTG[C>G]TTGTACTTATCAACTCTGTATGAGACACGGTTGTCAAAAGGCACTTCTTCACCATTTTTG-3'
Protein context (NP_001254479.2, residues 15345-15365): NRVSYRVDKY[Lys15355Asn]HMLTIKDCGF